The following is an entry in ClinVar:

ClinVar aggregate classification (germline): Pathogenic/Likely pathogenic. Review status: criteria provided, multiple submitters, no conflicts (2 of 4 stars). 4 submissions from 4 submitters: Pathogenic (3); Likely pathogenic (1). Last evaluated 2026-08-06.

Conditions:
PURA-related severe neonatal hypotonia-seizures-encephalopathy syndrome (NEDRIHF). Also called: NEURODEVELOPMENTAL DISORDER WITH NEONATAL RESPIRATORY INSUFFICIENCY, HYPOTONIA, AND FEEDING DIFFICULTIES; PURA-Related Neurodevelopmental Disorders. Identifiers: Orphanet 438213, Orphanet 438216, MedGen C4015357, MONDO:1060108, OMIM 616158, MONDO:0018580.

Submissions (4):

OLLIN Analises Genomicas, OLLIN
Classification: Likely pathogenic for PURA-related severe neonatal hypotonia-seizures-encephalopathy syndrome. Last evaluated: 2026-08-06. Review status: criteria provided, single submitter. Criteria: ACMG Guidelines 2015 PMID 25741868. Collection method: clinical testing. Allele origin: germline. Inheritance: Autosomal dominant inheritance.
Comment: This nonsense variant, located in exon 1 (of 1), is absent from gnomAD and has not been identified in the literature. However, it has been reported in ClinVar (accession VCV001302466.3). This variant introduces a premature stop codon, which is predicted to result in either a truncated protein or degradation of the mRNA via nonsense-mediated decay (NMD). According to the currently available evidence, this variant has been classified as likely pathogenic (PVS1, PM2_P).

Labcorp Genetics (formerly Invitae), Labcorp
Classification: Pathogenic for PURA-related severe neonatal hypotonia-seizures-encephalopathy syndrome. Last evaluated: 2024-01-29. Review status: criteria provided, single submitter. Criteria: Invitae Variant Classification Sherloc (09022015). Collection method: clinical testing. Allele origin: germline.
Comment: This sequence change creates a premature translational stop signal (p.Glu57*) in the PURA gene. While this is not anticipated to result in nonsense mediated decay, it is expected to disrupt the last 266 amino acid(s) of the PURA protein. This variant is not present in population databases (gnomAD no frequency). This variant has not been reported in the literature in individuals affected with PURA-related conditions. ClinVar contains an entry for this variant (Variation ID: 1686114). This variant disrupts a region of the PURA protein in which other variant(s) (p.Gln163*, p.Tyr261*, p.Gln186*) have been determined to be pathogenic (PMID: 25439098; Invitae). This suggests that this is a clinically significant region of the protein, and that variants that disrupt it are likely to be disease-causing. For these reasons, this variant has been classified as Pathogenic.

Mendelics
Classification: Pathogenic for PURA-related severe neonatal hypotonia-seizures-encephalopathy syndrome. Last evaluated: 2022-05-04. Review status: criteria provided, single submitter. Criteria: Mendelics Assertion Criteria 2019. Collection method: clinical testing. Allele origin: germline.

Juno Genomics, Hangzhou Juno Genomics, Inc
Classification: Pathogenic for PURA-related severe neonatal hypotonia-seizures-encephalopathy syndrome. Review status: criteria provided, single submitter. Criteria: ACMG Guidelines, 2015. Collection method: clinical testing. Allele origin: germline. Affected: yes.
Comment: Absent from controls (or at extremely low frequency if recessive) in Genome Aggregation Database, Exome Sequencing Project, 1000 Genomes Project, or Exome Aggregation Consortium.;Null variant in a gene where loss of function (LOF) is a known mechanism of disease.;Assumed de novo, but without confirmation of paternity and maternity.

Literature cited by the submitters: PubMed 25439098 (cited by Labcorp Genetics (formerly Invitae), Labcorp).

NM_005859.5(PURA):c.169G>T (p.Glu57Ter)

Gene: PURA (purine rich element binding protein A; plus strand). Cytogenetic location: 5q31.3.
Variant type: single nucleotide variant.
Coding change: c.169G>T on transcript NM_005859.5 (MANE Select); coding-DNA position 169, G replaced by T.
Protein change: p.Glu57Ter; replaces glutamic acid 57 with a stop codon.
Molecular consequence: nonsense.
Genome position (GRCh38, 1-based): chr5:140,114,350, G>T. VCF-style: chr5-140114350-G-T. GRCh37 (hg19) VCF-style: chr5-139493935-G-T.
Other names: short protein forms E57*.
Identifiers: ClinVar variation 1686114 (VCV001686114.6), dbSNP rs2126748783, ClinGen allele CA361489781.
Genomic context (GRCh38, chr5:140,114,350, plus strand): 5'-GGCGGGGGCGGCGGCGGCAGTGGCGGCGGCGGCGGCGGGGCCCCAGGGGGGCTGCAGCAC[G>T]AGACGCAGGAGCTGGCCTCCAAGCGGGTGGACATCCAGAACAAGCGCTTCTACCTGGACG-3'